The following is an entry in ClinVar:

ClinVar aggregate classification (germline): Uncertain significance. Review status: criteria provided, multiple submitters, no conflicts (2 of 4 stars). 2 submissions from 2 submitters: Uncertain significance (2). Last evaluated 2025-08-22.

Conditions:
Inborn genetic diseases. Identifiers: MedGen C0950123, MeSH D030342.
Combined immunodeficiency due to MALT1 deficiency. Also called: Immunodeficiency 12. Identifiers: Orphanet 397964, MedGen C3809583, MONDO:0014197, OMIM 615468.

Allele frequency attached by ClinVar (database versions not stated): gnomAD exomes 0.00001.
gnomAD v4.1: 4 of 1,614,166 alleles (0.00025%); highest among the groups gnomAD compares: Admixed American, 0.0017%; no homozygotes.

Submissions (2):

Ambry Genetics
Classification: Uncertain significance for Inborn genetic diseases. Last evaluated: 2025-08-22. Review status: criteria provided, single submitter. Criteria: Ambry Variant Classification Scheme 2023. Collection method: clinical testing. Allele origin: germline.

Labcorp Genetics (formerly Invitae), Labcorp
Classification: Uncertain significance for Combined immunodeficiency due to MALT1 deficiency. Last evaluated: 2019-11-20. Review status: criteria provided, single submitter. Criteria: Invitae Variant Classification Sherloc (09022015). Collection method: clinical testing. Allele origin: germline.
Comment: In summary, the available evidence is currently insufficient to determine the role of this variant in disease. Therefore, it has been classified as a Variant of Uncertain Significance. Algorithms developed to predict the effect of missense changes on protein structure and function output the following: SIFT: "Tolerated"; PolyPhen-2: "Benign"; Align-GVGD: "Class C0". The proline amino acid residue is found in multiple mammalian species, suggesting that this missense change does not adversely affect protein function. These predictions have not been confirmed by published functional studies and their clinical significance is uncertain. This variant has not been reported in the literature in individuals with MALT1-related conditions. This variant is not present in population databases (ExAC no frequency). This sequence change replaces alanine with proline at codon 774 of the MALT1 protein (p.Ala774Pro). The alanine residue is weakly conserved and there is a small physicochemical difference between alanine and proline.

NM_006785.4(MALT1):c.2320G>C (p.Ala774Pro)

Gene: MALT1 (MALT1 paracaspase; plus strand). Cytogenetic location: 18q21.32.
Variant type: single nucleotide variant.
Coding change: c.2320G>C on transcript NM_006785.4 (MANE Select); coding-DNA position 2320, G replaced by C.
Protein change: p.Ala774Pro; replaces alanine 774 with proline.
Molecular consequence: missense variant.
Genome position (GRCh38, 1-based): chr18:58,747,687, G>C. VCF-style: chr18-58747687-G-C. GRCh37 (hg19) VCF-style: chr18-56414919-G-C.
Other names: c.2287G>C, p.Ala763Pro (NM_173844.3); c.2320G>C (NM_006785.2); short protein forms A774P, A763P.
Identifiers: ClinVar variation 851077 (VCV000851077.10), dbSNP rs1251356443, ClinGen allele CA402577098.